The following is an entry in ClinVar:

NM_025137.4(SPG11):c.4888G>C (p.Glu1630Gln)

Gene: SPG11 (SPG11 vesicle trafficking associated, spatacsin; minus strand). Cytogenetic location: 15q21.1.
Variant type: single nucleotide variant.
Coding change: c.4888G>C on transcript NM_025137.4 (MANE Select); coding-DNA position 4888, G replaced by C.
Protein change: p.Glu1630Gln; replaces glutamic acid 1630 with glutamine.
Molecular consequence: missense variant.
Genome position (GRCh38, 1-based): chr15:44,589,270, C>G on the plus strand (G>C on the coding strand, the complement: SPG11 is on the minus strand). VCF-style: chr15-44589270-C-G. GRCh37 (hg19) VCF-style: chr15-44881468-C-G.
Other names: c.4888G>C, p.Glu1630Gln (NM_001160227.2); short protein forms E1630Q.
Identifiers: ClinVar variation 939088 (VCV000939088.7), dbSNP rs368276916, ClinGen allele CA7534558.

ClinVar aggregate classification (germline): Uncertain significance (1 of 4 stars; one submission).

Conditions:
Hereditary spastic paraplegia 11. Also called: SPASTIC PARAPLEGIA, AUTOSOMAL RECESSIVE, COMPLICATED, WITH THIN CORPUS CALLOSUM; SPASTIC PARAPLEGIA, AUTOSOMAL RECESSIVE, WITH MENTAL IMPAIRMENT AND THIN CORPUS CALLOSUM; Spastic paraplegia, mental retardation and thin corpus callosum; Nakamura Osame syndrome; Autosomal recessive hereditary spastic paraplegia, mental impairment, and thin corpus callosum; Spastic Paraplegia 11. Identifiers: Orphanet 2822, MedGen C1858479, MONDO:0011445, OMIM 604360.

gnomAD v4.1: 16 of 1,614,004 alleles (0.00099%); highest among the groups gnomAD compares: East Asian, 0.029%; no homozygotes.

Submission:

Labcorp Genetics (formerly Invitae), Labcorp
Classification: Uncertain significance for Hereditary spastic paraplegia 11. Last evaluated: 2021-08-27. Review status: criteria provided, single submitter. Criteria: Invitae Variant Classification Sherloc (09022015). Collection method: clinical testing. Allele origin: germline.
Comment: This sequence change replaces glutamic acid with glutamine at codon 1630 of the SPG11 protein (p.Glu1630Gln). The glutamic acid residue is moderately conserved and there is a small physicochemical difference between glutamic acid and glutamine. This variant is present in population databases (rs368276916, ExAC 0.01%). This variant has not been reported in the literature in individuals affected with SPG11-related conditions. Algorithms developed to predict the effect of missense changes on protein structure and function output the following: SIFT: "Deleterious"; PolyPhen-2: "Probably Damaging"; Align-GVGD: "Class C0". The glutamine amino acid residue is found in multiple mammalian species, which suggests that this missense change does not adversely affect protein function. In summary, the available evidence is currently insufficient to determine the role of this variant in disease. Therefore, it has been classified as a Variant of Uncertain Significance.